The following is an entry in ClinVar:

ClinVar aggregate classification (germline): Uncertain significance (1 of 4 stars; one submission).

Submission:

Labcorp Genetics (formerly Invitae), Labcorp
Classification: Uncertain significance. Last evaluated: 2022-02-21. Review status: criteria provided, single submitter. Criteria: Invitae Variant Classification Sherloc (09022015). Collection method: clinical testing. Allele origin: germline.
Comment: In summary, the available evidence is currently insufficient to determine the role of this variant in disease. Therefore, it has been classified as a Variant of Uncertain Significance. Experimental studies and prediction algorithms are not available or were not evaluated, and the functional significance of this variant is currently unknown. This variant has not been reported in the literature in individuals affected with ADSSL1-related conditions. This variant is not present in population databases (gnomAD no frequency). This sequence change affects the initiator methionine of the ADSSL1 mRNA. The next in-frame methionine is located at codon 249.

NM_152328.5(ADSS1):c.193-5151_193-5126del

Gene: ADSS1 (adenylosuccinate synthase 1; plus strand). Cytogenetic location: 14q32.33.
Variant type: Deletion.
Coding change: c.193-5151_193-5126del on transcript NM_152328.5 (MANE Select); 5151 bases into the intron before coding-DNA position 193 through 5126 bases into the intron before coding-DNA position 193, 26 bases deleted (CGTGGGGAGGAGCGTGGCGTCGGCAT).
Molecular consequence: intron variant. On other transcripts: 5 prime UTR variant (1), frameshift variant (1), initiator codon variant (1).
Genome position (GRCh38, 1-based): chr14:104,729,869-104,729,894, CGTGGGGAGGAGCGTGGCGTCGGCAT deleted; deleting any 26 consecutive bases within chr14:104,729,868-104,729,894 gives the same sequence; the c. name uses the placement nearest the transcript's 3' end. VCF-style (leftmost placement, unchanged base first): chr14-104729867-GTCGTGGGGAGGAGCGTGGCGTCGGCA-G. GRCh37 (hg19) VCF-style: chr14-105196204-GTCGTGGGGAGGAGCGTGGCGTCGGCA-G.
Other names: c.-751_-726del (NM_001320424.1); c.-24_2del, p.Met1fs (NM_199165.2); short protein forms M1fs.
Identifiers: ClinVar variation 2101148 (VCV002101148.5), dbSNP rs2140752520, ClinGen allele CA2580088468.